The following is an entry in ClinVar:

NM_005765.3(ATP6AP2):c.500C>T (p.Ser167Leu)

Gene: ATP6AP2 (ATPase H+ transporting accessory protein 2; plus strand). Cytogenetic location: Xp11.4.
Variant type: single nucleotide variant.
Coding change: c.500C>T on transcript NM_005765.3 (MANE Select); coding-DNA position 500, C replaced by T.
Protein change: p.Ser167Leu; replaces serine 167 with leucine.
Molecular consequence: missense variant.
Genome position (GRCh38, 1-based): chrX:40,597,630, C>T. VCF-style: chrX-40597630-C-T. GRCh37 (hg19) VCF-style: chrX-40456882-C-T.
Other names: short protein forms S167L.
Identifiers: ClinVar variation 2532086 (VCV002532086.5), dbSNP rs1483699088, ClinGen allele CA412755796.
Genomic context (GRCh38, chrX:40,597,630, plus strand): 5'-TTTCAGTCACCTTGCGCCAGCTCCGTAATCGCCTGTTTCAAGAAAACTCTGTTCTCAGTT[C>T]ACTCCCCCTCAATTCTCTGAGTAGGAACAATGAAGTAAGTGCAGTTATTCAATGAATACA-3'
Protein context (NP_005756.2, residues 157-177): RLFQENSVLS[Ser167Leu]LPLNSLSRNN

ClinVar aggregate classification (germline): Uncertain significance. Review status: criteria provided, multiple submitters, no conflicts (2 of 4 stars). 2 submissions from 2 submitters: Uncertain significance (2). Last evaluated 2025-06-12.

Conditions:
Intellectual developmental disorder, X-linked, syndromic, Hedera type. Also called: Syndromic X-linked intellectual disability Hedera type. Identifiers: Orphanet 93952, MedGen C1845543, MONDO:0010319, OMIM 300423.
Inborn genetic diseases. Identifiers: MedGen C0950123, MeSH D030342.

Allele frequency attached by ClinVar (database versions not stated): gnomAD exomes below 0.00001; gnomAD 0.00002; TOPMed 0.00002.
gnomAD v4.1: 6 of 1,207,342 alleles (0.0005%); highest among the groups gnomAD compares: Non-Finnish European, 0.00056%; no homozygotes.

Submissions (2):

Labcorp Genetics (formerly Invitae), Labcorp
Classification: Uncertain significance for Intellectual developmental disorder, X-linked, syndromic, Hedera type. Last evaluated: 2025-06-12. Review status: criteria provided, single submitter. Criteria: Invitae Variant Classification Sherloc (09022015). Collection method: clinical testing. Allele origin: germline.
Comment: This sequence change replaces serine, which is neutral and polar, with leucine, which is neutral and non-polar, at codon 167 of the ATP6AP2 protein (p.Ser167Leu). This variant is not present in population databases (gnomAD no frequency). This variant has not been reported in the literature in individuals affected with ATP6AP2-related conditions. ClinVar contains an entry for this variant (Variation ID: 2532086). Invitae Evidence Modeling of protein sequence and biophysical properties (such as structural, functional, and spatial information, amino acid conservation, physicochemical variation, residue mobility, and thermodynamic stability) indicates that this missense variant is not expected to disrupt ATP6AP2 protein function with a negative predictive value of 80%. In summary, the available evidence is currently insufficient to determine the role of this variant in disease. Therefore, it has been classified as a Variant of Uncertain Significance.

Ambry Genetics
Classification: Uncertain significance for Inborn genetic diseases. Last evaluated: 2023-03-31. Review status: criteria provided, single submitter. Criteria: Ambry Variant Classification Scheme 2023. Collection method: clinical testing. Allele origin: germline.